The following is an entry in ClinVar:

ClinVar aggregate classification (germline): Benign/Likely benign. Review status: criteria provided, multiple submitters, no conflicts (2 of 4 stars). 4 submissions from 4 submitters: Benign (1); Likely benign (3). Last evaluated 2025-04-27.

Conditions:
Birt-Hogg-Dube syndrome 1 (BHD1). Also called: FIBROFOLLICULOMAS WITH TRICHODISCOMAS AND ACROCHORDONS. Identifiers: Orphanet 122, MedGen CN375946, MONDO:0800445, OMIM 135150.
Hereditary cancer-predisposing syndrome. Also called: Hereditary neoplastic syndrome; Neoplastic Syndromes, Hereditary; Tumor predisposition; Hereditary Cancer Syndrome. Identifiers: Orphanet 140162, MedGen C0027672, MeSH D009386, MONDO:0015356.
Birt-Hogg-Dube syndrome. Also called: Birt Hogg Dubé syndrome. Identifiers: Orphanet 122, MedGen C0346010, MONDO:0800444.

Allele frequency attached by ClinVar (database versions not stated): gnomAD exomes below 0.00001.
gnomAD v4.1: 2 of 1,612,814 alleles (0.00012%); highest among the groups gnomAD compares: South Asian, 0.0022%; no homozygotes.

Submissions (4):

Labcorp Genetics (formerly Invitae), Labcorp
Classification: Likely benign for Birt-Hogg-Dube syndrome. Last evaluated: 2025-04-27. Review status: criteria provided, single submitter. Criteria: Invitae Variant Classification Sherloc (09022015). Collection method: clinical testing. Allele origin: germline.

Myriad Genetics, Inc.
Classification: Benign for Birt-Hogg-Dube syndrome 1. Last evaluated: 2024-10-22. Review status: criteria provided, single submitter. Criteria: Myriad Autosomal Dominant, Autosomal Recessive and X-Linked Classification Criteria (2023). Collection method: clinical testing. Allele origin: unknown.
Comment: This variant is considered benign. This variant is a silent/synonymous amino acid change and it is not expected to impact splicing.

Sema4
Classification: Likely benign for Hereditary cancer-predisposing syndrome. Last evaluated: 2021-07-21. Review status: criteria provided, single submitter. Criteria: Sema4 Curation Guidelines. Collection method: curation. Allele origin: germline.

Ambry Genetics
Classification: Likely benign for Hereditary cancer-predisposing syndrome. Last evaluated: 2016-02-04. Review status: criteria provided, single submitter. Criteria: Ambry Variant Classification Scheme 2023. Collection method: clinical testing. Allele origin: germline.

NM_144997.7(FLCN):c.9C>T (p.Ala3=)

Gene: FLCN (folliculin; minus strand). Cytogenetic location: 17p11.2.
Variant type: single nucleotide variant.
Coding change: c.9C>T on transcript NM_144997.7 (MANE Select); coding-DNA position 9, C replaced by T.
Protein change: p.Ala3=; no amino-acid change (alanine 3 retained).
Molecular consequence: synonymous variant.
Genome position (GRCh38, 1-based): chr17:17,228,129, G>A on the plus strand (C>T on the coding strand, the complement: FLCN is on the minus strand). VCF-style: chr17-17228129-G-A. GRCh37 (hg19) VCF-style: chr17-17131443-G-A.
Other names: c.9C>T, p.Ala3= (NM_001353229.2, NM_001353230.2, NM_001353231.2 and 1 more transcripts); c.9C>T (LRG_325t1).
Identifiers: ClinVar variation 485606 (VCV000485606.14), dbSNP rs1555611576, ClinGen allele CA498167780.
Genomic context (GRCh38, chr17:17,228,129, plus strand): 5'-CTCCGTGCAGAAGAGAGTGCGGGGGCCGTGGAGCTCGCAGAAGTGGCAGAGAGCCACGAT[G>A]GCATTCATGGTGCCTTGGAGACTGCAACAGGCCTGCGTGGGACAGGGGACATGTCAGCTT-3'
Protein context (NP_659434.2, residues 1-13): MN[Ala3=]IVALCHFCEL